The following is an entry in ClinVar:

ClinVar aggregate classification (germline): Uncertain significance (1 of 4 stars; one submission).

Conditions:
Fucosidosis. Also called: ALPHA-L-FUCOSIDASE DEFICIENCY. Identifiers: Orphanet 349, MedGen C0016788, MONDO:0009254, OMIM 230000.

Allele frequency attached by ClinVar (database versions not stated): gnomAD exomes below 0.00001; gnomAD 0.00001; ExAC 0.00002; TOPMed 0.00002.
gnomAD v4.1: 6 of 1,614,046 alleles (0.00037%); highest among the groups gnomAD compares: East Asian, 0.0089%; no homozygotes.

Submission:

Labcorp Genetics (formerly Invitae), Labcorp
Classification: Uncertain significance for Fucosidosis. Last evaluated: 2024-10-30. Review status: criteria provided, single submitter. Criteria: Invitae Variant Classification Sherloc (09022015). Collection method: clinical testing. Allele origin: germline.
Comment: This sequence change replaces phenylalanine, which is neutral and non-polar, with serine, which is neutral and polar, at codon 302 of the FUCA1 protein (p.Phe302Ser). This variant is present in population databases (rs774564918, gnomAD 0.02%). This variant has not been reported in the literature in individuals affected with FUCA1-related conditions. ClinVar contains an entry for this variant (Variation ID: 2165622). Invitae Evidence Modeling of protein sequence and biophysical properties (such as structural, functional, and spatial information, amino acid conservation, physicochemical variation, residue mobility, and thermodynamic stability) indicates that this missense variant is not expected to disrupt FUCA1 protein function with a negative predictive value of 95%. In summary, the available evidence is currently insufficient to determine the role of this variant in disease. Therefore, it has been classified as a Variant of Uncertain Significance.

NM_000147.5(FUCA1):c.905T>C (p.Phe302Ser)

Gene: FUCA1 (alpha-L-fucosidase 1; minus strand). Cytogenetic location: 1p36.11.
Variant type: single nucleotide variant.
Coding change: c.905T>C on transcript NM_000147.5 (MANE Select); coding-DNA position 905, T replaced by C.
Protein change: p.Phe302Ser; replaces phenylalanine 302 with serine.
Molecular consequence: missense variant. On other transcripts: non-coding transcript variant (4).
Genome position (GRCh38, 1-based): chr1:23,854,424, A>G on the plus strand (T>C on the coding strand, the complement: FUCA1 is on the minus strand). VCF-style: chr1-23854424-A-G. GRCh37 (hg19) VCF-style: chr1-24180914-A-G.
Other names: short protein forms F302S.
Identifiers: ClinVar variation 2165622 (VCV002165622.2), dbSNP rs774564918, ClinGen allele CA686431.